The following is an entry in ClinVar:

ClinVar aggregate classification (germline): Uncertain significance (1 of 4 stars; one submission).

gnomAD v4.1: 1 of 1,614,148 alleles (0.000062%); highest among the groups gnomAD compares: Non-Finnish European, 0.000085%; no homozygotes.

Submission:

Labcorp Genetics (formerly Invitae), Labcorp
Classification: Uncertain significance. Last evaluated: 2024-05-19. Review status: criteria provided, single submitter. Criteria: Invitae Variant Classification Sherloc (09022015). Collection method: clinical testing. Allele origin: germline.
Comment: This sequence change replaces arginine, which is basic and polar, with serine, which is neutral and polar, at codon 951 of the NIN protein (p.Arg951Ser). This variant is present in population databases (no rsID available, gnomAD 0.0009%). This variant has not been reported in the literature in individuals affected with NIN-related conditions. Algorithms developed to predict the effect of missense changes on protein structure and function output the following: SIFT: "Not Available"; PolyPhen-2: "Benign"; Align-GVGD: "Not Available". The serine amino acid residue is found in multiple mammalian species, which suggests that this missense change does not adversely affect protein function. In summary, the available evidence is currently insufficient to determine the role of this variant in disease. Therefore, it has been classified as a Variant of Uncertain Significance.

NM_020921.4(NIN):c.2851C>A (p.Arg951Ser)

Gene: NIN (ninein; minus strand). Cytogenetic location: 14q22.1.
Variant type: single nucleotide variant.
Coding change: c.2851C>A on transcript NM_020921.4 (MANE Select); coding-DNA position 2851, C replaced by A.
Protein change: p.Arg951Ser; replaces arginine 951 with serine.
Molecular consequence: missense variant. On other transcripts: intron variant (1).
Genome position (GRCh38, 1-based): chr14:50,758,179, G>T on the plus strand (C>A on the coding strand, the complement: NIN is on the minus strand). VCF-style: chr14-50758179-G-T. GRCh37 (hg19) VCF-style: chr14-51224897-G-T.
Other names: c.2851C>A, p.Arg951Ser (NM_182944.3, NM_182946.2); c.2399+1678C>A (NM_016350.5); short protein forms R951S.
Identifiers: ClinVar variation 3609518 (VCV003609518.2).
Genomic context (GRCh38, chr14:50,758,179, plus strand): 5'-TTTCCAGCCGCTGGCTGGCCAGCTGCTCCGAAGCCCCTGCCTGGCACAGGACCTCCTCAC[G>T]CTCCCTCAGTTCCCTTTTGTGACTGCTCTTCAGCTCAAGTATCTGGTCAGACAGCAGGCT-3'
Protein context (NP_065972.4, residues 941-961): KSSHKRELRE[Arg951Ser]EEVLCQAGAS